The following is an entry in ClinVar:

ClinVar aggregate classification (germline): Uncertain significance (1 of 4 stars; one submission).

Submission:

GeneDx
Classification: Uncertain significance. Last evaluated: 2022-04-07. Review status: criteria provided, single submitter. Criteria: GeneDx Variant Classification Process June 2021. Collection method: clinical testing. Allele origin: germline. Affected: yes.
Comment: Not observed at significant frequency in large population cohorts (gnomAD); In silico analysis supports that this missense variant has a deleterious effect on protein structure/function; Has not been previously published as pathogenic or benign to our knowledge

NM_002739.5(PRKCG):c.475G>C (p.Gly159Arg)

Gene: PRKCG (protein kinase C gamma; plus strand). Cytogenetic location: 19q13.42.
Variant type: single nucleotide variant.
Coding change: c.475G>C on transcript NM_002739.5 (MANE Select); coding-DNA position 475, G replaced by C.
Protein change: p.Gly159Arg; replaces glycine 159 with arginine.
Molecular consequence: missense variant.
Genome position (GRCh38, 1-based): chr19:53,889,963, G>C. VCF-style: chr19-53889963-G-C. GRCh37 (hg19) VCF-style: chr19-54393217-G-C.
Other names: c.475G>C, p.Gly159Arg (NM_001316329.2); short protein forms G159R.
Identifiers: ClinVar variation 1708844 (VCV001708844.2), dbSNP rs866406014, ClinGen allele CA407414504.
Genomic context (GRCh38, chr19:53,889,963, plus strand): 5'-CACCGGCGCTGTGTGCGTAGCGTGCCCTCCCTGTGCGGTGTGGACCACACCGAGCGCCGC[G>C]GGCGCCTGCAGCTGGAGATCCGGGCTCCCACAGCAGATGAGATCCACGTAACTGGTGAGG-3'
Protein context (NP_002730.1, residues 149-169): LCGVDHTERR[Gly159Arg]RLQLEIRAPT